The following is an entry in ClinVar:

NM_032380.5(GFM2):c.1294A>G (p.Ile432Val)

Gene: GFM2 (GTP dependent ribosome recycling factor mitochondrial 2; minus strand). Cytogenetic location: 5q13.3.
Variant type: single nucleotide variant.
Coding change: c.1294A>G on transcript NM_032380.5 (MANE Select); coding-DNA position 1294, A replaced by G.
Protein change: p.Ile432Val; replaces isoleucine 432 with valine.
Molecular consequence: missense variant. On other transcripts: non-coding transcript variant (1).
Genome position (GRCh38, 1-based): chr5:74,738,344, T>C on the plus strand (A>G on the coding strand, the complement: GFM2 is on the minus strand). VCF-style: chr5-74738344-T-C. GRCh37 (hg19) VCF-style: chr5-74034169-T-C.
Other names: c.1390A>G, p.Ile464Val (NM_001281302.2); c.1294A>G, p.Ile432Val (NM_170681.3); c.1153A>G, p.Ile385Val (NM_170691.3); short protein forms I432V, I385V, I464V.
Identifiers: ClinVar variation 1462945 (VCV001462945.6), dbSNP rs1476414328, ClinGen allele CA360079593.
Genomic context (GRCh38, chr5:74,738,344, plus strand): 5'-TGTTATTTCCTAGAGAAATCATTTGGTCACTTACATGTTTAAGCCCAACAGTCAAAGCAA[T>C]GTTACCAGCAGTCAATGAAGGGATTTCTACATGTTGGTCAGCAAACGGCAAAAGCAGACG-3'
Protein context (NP_115756.2, residues 422-442): VEIPSLTAGN[Ile432Val]ALTVGLKHTA

ClinVar aggregate classification (germline): Uncertain significance (1 of 4 stars; one submission).

Allele frequency attached by ClinVar (database versions not stated): gnomAD exomes below 0.00001; gnomAD 0.00001.
gnomAD v4.1: 3 of 1,613,260 alleles (0.00019%); highest among the groups gnomAD compares: Admixed American, 0.0017%; no homozygotes.

Submission:

Labcorp Genetics (formerly Invitae), Labcorp
Classification: Uncertain significance. Last evaluated: 2023-05-15. Review status: criteria provided, single submitter. Criteria: Invitae Variant Classification Sherloc (09022015). Collection method: clinical testing. Allele origin: germline.
Comment: This variant is present in population databases (no rsID available, gnomAD 0.003%). This sequence change replaces isoleucine, which is neutral and non-polar, with valine, which is neutral and non-polar, at codon 432 of the GFM2 protein (p.Ile432Val). This variant has not been reported in the literature in individuals affected with GFM2-related conditions. ClinVar contains an entry for this variant (Variation ID: 1462945). Advanced modeling of protein sequence and biophysical properties (such as structural, functional, and spatial information, amino acid conservation, physicochemical variation, residue mobility, and thermodynamic stability) performed at Invitae indicates that this missense variant is not expected to disrupt GFM2 protein function. In summary, the available evidence is currently insufficient to determine the role of this variant in disease. Therefore, it has been classified as a Variant of Uncertain Significance.